The following is an entry in ClinVar:

ClinVar aggregate classification (germline): Likely benign (1 of 4 stars; one submission).

Conditions:
Malignant hyperthermia, susceptibility to, 1 (MHS1). Also called: Anesthesia related hyperthermia; Malignant hyperpyrexia; Fulminating hyperpyrexia; Pharmacogenic myopathy; Malignant hyperthermia suceptibility 1; RYR1-Related Malignant Hyperthermia Susceptibility. Identifiers: Orphanet 423, MedGen C2930980, MONDO:0007783, OMIM 145600.

Submission:

All of Us Research Program, National Institutes of Health
Classification: Likely benign for Malignant hyperthermia, susceptibility to, 1. Last evaluated: 2024-03-24. Review status: criteria provided, single submitter. Criteria: ACMG Guidelines, 2015. Collection method: clinical testing. Allele origin: germline. Inheritance: Autosomal dominant inheritance. Observed: 1 variant allele, 1 heterozygote.
Comment: This study involves interpretation of variants in research participants for the purpose of population health screening. Participant phenotype was not available at the time of variant classification. Additional details can be found in publication PMID: 35346344, PMCID: PMC8962531

NM_000540.3(RYR1):c.8713C>T (p.Leu2905=)

Gene: RYR1 (ryanodine receptor 1; plus strand). Cytogenetic location: 19q13.2.
Variant type: single nucleotide variant.
Coding change: c.8713C>T on transcript NM_000540.3 (MANE Select); coding-DNA position 8713, C replaced by T.
Protein change: p.Leu2905=; no amino-acid change (leucine 2905 retained).
Molecular consequence: synonymous variant.
Genome position (GRCh38, 1-based): chr19:38,506,849, C>T. VCF-style: chr19-38506849-C-T. GRCh37 (hg19) VCF-style: chr19-38997489-C-T.
Other names: c.8713C>T, p.Leu2905= (NM_001042723.2).
Identifiers: ClinVar variation 3385480 (VCV003385480.1).